The following is an entry in ClinVar:

NM_025216.3(WNT10A):c.523C>T (p.His175Tyr)

Gene: WNT10A (Wnt family member 10A; plus strand). Cytogenetic location: 2q35.
Variant type: single nucleotide variant.
Coding change: c.523C>T on transcript NM_025216.3 (MANE Select); coding-DNA position 523, C replaced by T.
Protein change: p.His175Tyr; replaces histidine 175 with tyrosine.
Molecular consequence: missense variant.
Genome position (GRCh38, 1-based): chr2:218,890,130, C>T. VCF-style: chr2-218890130-C-T. GRCh37 (hg19) VCF-style: chr2-219754852-C-T.
Other names: short protein forms H175Y.
Identifiers: ClinVar variation 3817320 (VCV003817320.2).

ClinVar aggregate classification (germline): Uncertain significance. Review status: criteria provided, multiple submitters, no conflicts (2 of 4 stars). 2 submissions from 2 submitters: Uncertain significance (2). Last evaluated 2026-03-27.

Conditions:
Inborn genetic diseases. Identifiers: MedGen C0950123, MeSH D030342.

gnomAD v4.1: 7 of 1,614,158 alleles (0.00043%); highest among the groups gnomAD compares: African/African-American, 0.0013%; no homozygotes.

Submissions (2):

GeneDx
Classification: Uncertain significance. Last evaluated: 2026-03-27. Review status: criteria provided, single submitter. Criteria: GeneDx Variant Classification Process June 2021. Collection method: clinical testing. Allele origin: germline.
Comment: Not observed at significant frequency in large population cohorts (gnomAD); In silico analysis suggests that this missense variant does not alter protein structure/function; Has not been previously published as pathogenic or benign to our knowledge

Ambry Genetics
Classification: Uncertain significance for Inborn genetic diseases. Last evaluated: 2025-03-06. Review status: criteria provided, single submitter. Criteria: Ambry Variant Classification Scheme 2023. Collection method: clinical testing. Allele origin: germline.